The following is an entry in ClinVar:

NM_001142800.2(EYS):c.6961A>C (p.Ile2321Leu)

Gene: EYS (EGF-like photoreceptor maintenance factor; minus strand). Cytogenetic location: 6q12.
Variant type: single nucleotide variant.
Coding change: c.6961A>C on transcript NM_001142800.2 (MANE Select); coding-DNA position 6961, A replaced by C.
Protein change: p.Ile2321Leu; replaces isoleucine 2321 with leucine.
Molecular consequence: missense variant.
Genome position (GRCh38, 1-based): chr6:63,984,477, T>G on the plus strand (A>C on the coding strand, the complement: EYS is on the minus strand). VCF-style: chr6-63984477-T-G. GRCh37 (hg19) VCF-style: chr6-64694370-T-G.
Other names: c.6961A>C, p.Ile2321Leu (NM_001292009.2); short protein forms I2321L.
Identifiers: ClinVar variation 910624 (VCV000910624.11), dbSNP rs149823162, ClinGen allele CA3876864.
Genomic context (GRCh38, chr6:63,984,477, plus strand): 5'-GAGCACACCAAGGGACGTGGCAGTTCTCAATATTCTTTCCATGTCGTGCTTCATCGATGA[T>G]GAAGAATTCTTTGTTGTTTACTTGAAGGTCTAGAATGCAGCCCCTGAACCCATAAACAGG-3'
Protein context (NP_001136272.1, residues 2311-2331): DLQVNNKEFF[Ile2321Leu]IDEARHGKNI

ClinVar aggregate classification (germline): Uncertain significance. Review status: criteria provided, multiple submitters, no conflicts (2 of 4 stars). 6 submissions from 6 submitters: Uncertain significance (4). 2 of the submissions do not count toward it. Last evaluated 2024-11-13.

Conditions:
Inborn genetic diseases. Identifiers: MedGen C0950123, MeSH D030342.
Autosomal recessive retinitis pigmentosa. Identifiers: MedGen C0339526.
Retinitis pigmentosa (RP). Identifiers: Orphanet 791, MedGen C0035334, MeSH D012174, MONDO:0019200, OMIM 268000. Inheritance: Autosomal dominant, autosomal recessive and X linked inheritance.
Retinal dystrophy. Also called: Inherited retinal dystrophy. Identifiers: Orphanet 71862, MedGen C0854723, MeSH D058499, MONDO:0019118, HP:0000556.

Allele frequency attached by ClinVar (database versions not stated): gnomAD 0.00005 and 0.00006; TOPMed 0.00006; gnomAD exomes 0.00015; 1000 Genomes Project 30x 0.00016; 1000 Genomes Project 0.00020; ExAC 0.00023.
gnomAD v4.1: 179 of 1,549,694 alleles (0.012%); highest among the groups gnomAD compares: Middle Eastern, 0.1%; no homozygotes.

Submissions (6):

Blueprint Genetics
Classification: Uncertain significance. Last evaluated: 2024-11-13. Review status: criteria provided, single submitter. Criteria: ACMG Guidelines, 2015. Collection method: clinical testing. Allele origin: germline.

Labcorp Genetics (formerly Invitae), Labcorp
Classification: Uncertain significance. Last evaluated: 2024-10-25. Review status: criteria provided, single submitter. Criteria: Invitae Variant Classification Sherloc (09022015). Collection method: clinical testing. Allele origin: germline.
Comment: This sequence change replaces isoleucine, which is neutral and non-polar, with leucine, which is neutral and non-polar, at codon 2321 of the EYS protein (p.Ile2321Leu). This variant is present in population databases (rs149823162, gnomAD 0.06%). This missense change has been observed in individual(s) with retinitis pigmentosa (internal data). ClinVar contains an entry for this variant (Variation ID: 910624). Invitae Evidence Modeling of protein sequence and biophysical properties (such as structural, functional, and spatial information, amino acid conservation, physicochemical variation, residue mobility, and thermodynamic stability) indicates that this missense variant is not expected to disrupt EYS protein function with a negative predictive value of 80%. In summary, the available evidence is currently insufficient to determine the role of this variant in disease. Therefore, it has been classified as a Variant of Uncertain Significance.

Ambry Genetics
Classification: Uncertain significance for Inborn genetic diseases. Last evaluated: 2021-09-16. Review status: criteria provided, single submitter. Criteria: Ambry Variant Classification Scheme 2023. Collection method: clinical testing. Allele origin: germline.

Illumina Laboratory Services, Illumina
Classification: Uncertain significance for Retinitis pigmentosa. Last evaluated: 2018-01-12. Review status: criteria provided, single submitter. Criteria: ICSL Variant Classification Criteria 13 December 2019. Collection method: clinical testing. Allele origin: germline.

Institute of Human Genetics, Univ. Regensburg, Univ. Regensburg
Classification: Uncertain significance for Retinal dystrophy. Last evaluated: 2023-01-01. Review status: no assertion criteria provided. Criteria: ACMG Guidelines, 2015. Collection method: clinical testing. Allele origin: germline. Affected: yes. Not counted in ClinVar's aggregate classification.

Natera, Inc.
Classification: Uncertain significance for Autosomal recessive retinitis pigmentosa. Last evaluated: 2020-08-11. Review status: no assertion criteria provided. Collection method: clinical testing. Allele origin: germline. Not counted in ClinVar's aggregate classification.